The following is an entry in ClinVar:

NC_000006.11:g.(?_66200467)_(66205886_?)dup

Gene: EYS (eyes shut homolog; minus strand). Cytogenetic location: 6q12.
Variant type: Duplication.
Identifiers: ClinVar variation 1399689 (VCV001399689.5).

ClinVar aggregate classification (germline): Likely pathogenic (1 of 4 stars; one submission).

Submission:

Labcorp Genetics (formerly Invitae), Labcorp
Classification: Likely pathogenic. Last evaluated: 2024-01-09. Review status: criteria provided, single submitter. Criteria: Invitae Variant Classification Sherloc (09022015). Collection method: clinical testing. Allele origin: germline.
Comment: This variant results in a copy number gain of the genomic region encompassing exon(s) 3-5 of the EYS gene. This region includes the initiator codon of the gene. This copy number gain extends beyond the assayed region for this gene and therefore may encompass additional genes. As the precise location of this event is unknown, it may be in tandem or it may be located elsewhere in the genome. A similar copy number variant has been observed in individual(s) with EYS-related conditions (Invitae). In at least one individual the data is consistent with being in trans (on the opposite chromosome) from a pathogenic variant. Experimental studies and prediction algorithms are not available or were not evaluated, and the functional significance of this variant is currently unknown. In summary, the currently available evidence indicates that the variant is pathogenic, but additional data are needed to prove that conclusively. Therefore, this variant has been classified as Likely Pathogenic.